The following is an entry in ClinVar:

ClinVar aggregate classification (germline): Uncertain significance (1 of 4 stars; one submission).

Allele frequency attached by ClinVar (database versions not stated): gnomAD exomes below 0.00001.
gnomAD v4.1: 1 of 1,211,472 alleles (0.000083%); highest among the groups gnomAD compares: African/African-American, 0.0017%; no homozygotes.

Submission:

Labcorp Genetics (formerly Invitae), Labcorp
Classification: Uncertain significance. Last evaluated: 2022-02-06. Review status: criteria provided, single submitter. Criteria: Invitae Variant Classification Sherloc (09022015). Collection method: clinical testing. Allele origin: germline.
Comment: In summary, the available evidence is currently insufficient to determine the role of this variant in disease. Therefore, it has been classified as a Variant of Uncertain Significance. Algorithms developed to predict the effect of missense changes on protein structure and function output the following: SIFT: "Tolerated"; PolyPhen-2: "Benign"; Align-GVGD: "Class C0". The isoleucine amino acid residue is found in multiple mammalian species, which suggests that this missense change does not adversely affect protein function. This variant has not been reported in the literature in individuals affected with TLR7-related conditions. This variant is not present in population databases (gnomAD no frequency). This sequence change replaces threonine, which is neutral and polar, with isoleucine, which is neutral and non-polar, at codon 838 of the TLR7 protein (p.Thr838Ile).

NM_016562.4(TLR7):c.2513C>T (p.Thr838Ile)

Gene: TLR7 (toll like receptor 7; plus strand). Cytogenetic location: Xp22.2.
Variant type: single nucleotide variant.
Coding change: c.2513C>T on transcript NM_016562.4 (MANE Select); coding-DNA position 2513, C replaced by T.
Protein change: p.Thr838Ile; replaces threonine 838 with isoleucine.
Molecular consequence: missense variant.
Genome position (GRCh38, 1-based): chrX:12,888,021, C>T. VCF-style: chrX-12888021-C-T. GRCh37 (hg19) VCF-style: chrX-12906140-C-T.
Other names: short protein forms T838I.
Identifiers: ClinVar variation 2093833 (VCV002093833.4), dbSNP rs2518439192, ClinGen allele CA412410809.